The following is an entry in ClinVar:

ClinVar aggregate classification (germline): Uncertain significance (1 of 4 stars; one submission).

Conditions:
Ehlers-Danlos syndrome, classic type, 1 (EDSCL1). Also called: EHLERS-DANLOS SYNDROME, GRAVIS TYPE; EHLERS-DANLOS SYNDROME, SEVERE CLASSIC TYPE; Ehlers-Danlos syndrome, type 1; Ehlers-Danlos Syndrome, Classic Type, COL5A1-Related; EDS I. Identifiers: MedGen C0268335, MONDO:0019567, OMIM 130000.

gnomAD v4.1: 5 of 1,613,906 alleles (0.00031%); highest among the groups gnomAD compares: Non-Finnish European, 0.00042%; no homozygotes.

Submission:

Labcorp Genetics (formerly Invitae), Labcorp
Classification: Uncertain significance for Ehlers-Danlos syndrome, classic type, 1. Last evaluated: 2024-02-19. Review status: criteria provided, single submitter. Criteria: Invitae Variant Classification Sherloc (09022015). Collection method: clinical testing. Allele origin: germline.
Comment: This sequence change replaces proline, which is neutral and non-polar, with arginine, which is basic and polar, at codon 965 of the COL5A1 protein (p.Pro965Arg). This variant is not present in population databases (gnomAD no frequency). This variant has not been reported in the literature in individuals affected with COL5A1-related conditions. Advanced modeling of protein sequence and biophysical properties (such as structural, functional, and spatial information, amino acid conservation, physicochemical variation, residue mobility, and thermodynamic stability) performed at Invitae indicates that this missense variant is expected to disrupt COL5A1 protein function with a positive predictive value of 80%. In summary, the available evidence is currently insufficient to determine the role of this variant in disease. Therefore, it has been classified as a Variant of Uncertain Significance.

NM_000093.5(COL5A1):c.2894C>G (p.Pro965Arg)

Gene: COL5A1 (collagen type V alpha 1 chain; plus strand). Cytogenetic location: 9q34.3.
Variant type: single nucleotide variant.
Coding change: c.2894C>G on transcript NM_000093.5 (MANE Select); coding-DNA position 2894, C replaced by G.
Protein change: p.Pro965Arg; replaces proline 965 with arginine.
Molecular consequence: missense variant.
Genome position (GRCh38, 1-based): chr9:134,796,897, C>G. VCF-style: chr9-134796897-C-G. GRCh37 (hg19) VCF-style: chr9-137688743-C-G.
Other names: c.2894C>G, p.Pro965Arg (NM_001278074.1); short protein forms P965R.
Identifiers: ClinVar variation 3703622 (VCV003703622.2).